The following is an entry in ClinVar:

ClinVar aggregate classification (germline): Uncertain significance (1 of 4 stars; one submission).

Conditions:
Hereditary cancer-predisposing syndrome. Also called: Neoplastic Syndromes, Hereditary; Tumor predisposition; Hereditary neoplastic syndrome; Hereditary Cancer Syndrome. Identifiers: Orphanet 140162, MedGen C0027672, MeSH D009386, MONDO:0015356.

Submission:

Ambry Genetics
Classification: Uncertain significance for Hereditary cancer-predisposing syndrome. Last evaluated: 2026-08-31. Review status: criteria provided, single submitter. Criteria: Ambry Variant Classification Scheme 2023. Collection method: clinical testing. Allele origin: germline.
Comment: The p.M578L variant (also known as c.1732A>T), located in coding exon 11 of the PDGFRA gene, results from an A to T substitution at nucleotide position 1732. The methionine at codon 578 is replaced by leucine, an amino acid with highly similar properties. This amino acid position is conserved. In addition, this alteration is predicted to be deleterious by in silico analysis. Based on the available evidence, the clinical significance of this variant remains unclear.

NM_006206.6(PDGFRA):c.1732A>T (p.Met578Leu)

Gene: PDGFRA (platelet derived growth factor receptor alpha; plus strand). Cytogenetic location: 4q12.
Variant type: single nucleotide variant.
Coding change: c.1732A>T on transcript NM_006206.6 (MANE Select); coding-DNA position 1732, A replaced by T.
Protein change: p.Met578Leu; replaces methionine 578 with leucine.
Molecular consequence: missense variant.
Genome position (GRCh38, 1-based): chr4:54,274,919, A>T. VCF-style: chr4-54274919-A-T. GRCh37 (hg19) VCF-style: chr4-55141086-A-T.
Other names: c.1732A>T, p.Met578Leu (NM_001347827.2, NM_001347829.2); c.1807A>T, p.Met603Leu (NM_001347828.2); c.1771A>T, p.Met591Leu (NM_001347830.2); short protein forms M578L, M603L, M591L.
Identifiers: ClinVar variation 5026457 (VCV005026457.1).